The following is an entry in ClinVar:

ClinVar aggregate classification (germline): Uncertain significance. Review status: criteria provided, multiple submitters, no conflicts (2 of 4 stars). 2 submissions from 2 submitters: Uncertain significance (2). Last evaluated 2023-11-24.

Conditions:
Neurofibromatosis, type 1 (NF1). Also called: VON RECKLINGHAUSEN DISEASE; Peripheral type neurofibromatosis; Neurofibromatosis, type I; NEUROFIBROMATOSIS, TYPE I, SOMATIC. Identifiers: Orphanet 636, MedGen C0027831, MONDO:0018975, OMIM 162200. Disease mechanism: loss of function.

gnomAD v4.1: 1 of 1,611,058 alleles (0.000062%); highest among the groups gnomAD compares: East Asian, 0.0022%; no homozygotes.

Submissions (2):

Labcorp Genetics (formerly Invitae), Labcorp
Classification: Uncertain significance for Neurofibromatosis, type 1. Last evaluated: 2023-11-24. Review status: criteria provided, single submitter. Criteria: Invitae Variant Classification Sherloc (09022015). Collection method: clinical testing. Allele origin: germline.
Comment: This sequence change falls in intron 52 of the NF1 gene. It does not directly change the encoded amino acid sequence of the NF1 protein. This variant is not present in population databases (gnomAD no frequency). This variant has been observed in individual(s) with neurofibromatosis type 1 (Invitae). ClinVar contains an entry for this variant (Variation ID: 2036798). Algorithms developed to predict the effect of sequence changes on RNA splicing suggest that this variant may disrupt the consensus splice site. In summary, the available evidence is currently insufficient to determine the role of this variant in disease. Therefore, it has been classified as a Variant of Uncertain Significance.

Blueprint Genetics
Classification: Uncertain significance. Last evaluated: 2023-08-11. Review status: criteria provided, single submitter. Criteria: ACMG Guidelines, 2015. Collection method: clinical testing. Allele origin: germline.

NM_001042492.3(NF1):c.7870-19C>G

Gene: NF1 (neurofibromin 1; plus strand). Cytogenetic location: 17q11.2.
Variant type: single nucleotide variant.
Coding change: c.7870-19C>G on transcript NM_001042492.3 (MANE Select); 19 bases into the intron before coding-DNA position 7870, C replaced by G.
Molecular consequence: intron variant.
Genome position (GRCh38, 1-based): chr17:31,357,250, C>G. VCF-style: chr17-31357250-C-G. GRCh37 (hg19) VCF-style: chr17-29684268-C-G.
Other names: c.7807-19C>G (NM_000267.4).
Identifiers: ClinVar variation 2036798 (VCV002036798.5), dbSNP rs542314717, ClinGen allele CA2580093462.